The following is an entry in ClinVar:

ClinVar aggregate classification (germline): Uncertain significance (1 of 4 stars; one submission).

gnomAD v4.1: 2 of 1,613,290 alleles (0.00012%); highest among the groups gnomAD compares: Non-Finnish European, 0.00017%; no homozygotes.

Submission:

GeneDx
Classification: Uncertain significance. Last evaluated: 2025-03-07. Review status: criteria provided, single submitter. Criteria: GeneDx Variant Classification Process June 2021. Collection method: clinical testing. Allele origin: germline. Affected: yes.
Comment: Has not been previously published as pathogenic or benign to our knowledge; In silico analysis supports that this missense variant has a deleterious effect on protein structure/function; Not observed at significant frequency in large population cohorts (gnomAD)

NM_003128.3(SPTBN1):c.1634A>G (p.Asp545Gly)

Gene: SPTBN1 (spectrin beta, non-erythrocytic 1; plus strand). Cytogenetic location: 2p16.2.
Variant type: single nucleotide variant.
Coding change: c.1634A>G on transcript NM_003128.3 (MANE Select); coding-DNA position 1634, A replaced by G.
Protein change: p.Asp545Gly; replaces aspartic acid 545 with glycine.
Molecular consequence: missense variant.
Genome position (GRCh38, 1-based): chr2:54,626,224, A>G. VCF-style: chr2-54626224-A-G. GRCh37 (hg19) VCF-style: chr2-54853361-A-G.
Other names: c.1595A>G, p.Asp532Gly (NM_178313.3); short protein forms D532G, D545G.
Identifiers: ClinVar variation 4083447 (VCV004083447.1).